The following is an entry in ClinVar:

ClinVar aggregate classification (germline): Pathogenic (1 of 4 stars; one submission).

Submission:

Labcorp Genetics (formerly Invitae), Labcorp
Classification: Pathogenic. Last evaluated: 2021-06-20. Review status: criteria provided, single submitter. Criteria: Invitae Variant Classification Sherloc (09022015). Collection method: clinical testing. Allele origin: germline.
Comment: This sequence change creates a premature translational stop signal (p.Trp606Glyfs*75) in the MME gene. It is expected to result in an absent or disrupted protein product. Loss-of-function variants in MME are known to be pathogenic (PMID: 26991897). This variant is not present in population databases (ExAC no frequency). This variant has not been reported in the literature in individuals with MME-related conditions. For these reasons, this variant has been classified as Pathogenic.

Literature cited by the submitters: PubMed 26991897.

NM_007289.4(MME):c.1815del (p.Trp606fs)

Gene: MME (membrane metalloendopeptidase; plus strand). Cytogenetic location: 3q25.2.
Variant type: Deletion.
Coding change: c.1815del on transcript NM_007289.4 (MANE Select); coding-DNA position 1815, one base deleted (C; older notation c.1815delC).
Protein change: p.Trp606fs; shifts the reading frame from tryptophan 606.
Molecular consequence: frameshift variant.
Genome position (GRCh38, 1-based): chr3:155,168,526, C deleted. VCF-style (leftmost placement, unchanged base first): chr3-155168525-AC-A. GRCh37 (hg19) VCF-style: chr3-154886314-AC-A.
Other names: c.1815del, p.Trp606fs (NM_000902.5, NM_001354642.2, NM_001354643.1 and 2 more transcripts); short protein forms W606fs.
Identifiers: ClinVar variation 1459271 (VCV001459271.6), dbSNP rs2108366317, ClinGen allele CA2573136722.
Genomic context (GRCh38, chr3:155,168,525, plus strand): 5'-CATTTTACTTAAATAAATATATTATAGGCAGAAACTTTAACAAAGATGGAGACCTCGTTG[AC>A]TGGTGGACTCAACAGTCTGCAAGTAACTTTAAGGAGCAATCCCAGTGCATGGTGTATCAG-3'